The following is an entry in ClinVar:

ClinVar aggregate classification (germline): Benign/Likely benign. Review status: criteria provided, multiple submitters, no conflicts (2 of 4 stars). 4 submissions from 4 submitters: Benign (1); Likely benign (2). 1 of the submissions does not count toward it. Last evaluated 2026-02-24.

Conditions:
LMX1B-related disorder. Also called: LMX1B-related condition.

Allele frequency attached by ClinVar (database versions not stated): TOPMed 0.00006; gnomAD exomes 0.00011; gnomAD 0.00021; ExAC 0.00039; 1000 Genomes Project 0.00060; 1000 Genomes Project 30x 0.00062.
gnomAD v4.1: 184 of 1,604,408 alleles (0.011%); highest among the groups gnomAD compares: East Asian, 0.047%; 1 homozygote.

Submissions (4):

Women's Health and Genetics/Laboratory Corporation of America, LabCorp
Classification: Likely benign. Last evaluated: 2026-02-24. Review status: criteria provided, single submitter. Criteria: LabCorp Variant Classification Summary - May 2015. Collection method: clinical testing. Allele origin: germline.

Labcorp Genetics (formerly Invitae), Labcorp
Classification: Benign. Last evaluated: 2025-06-23. Review status: criteria provided, single submitter. Criteria: Invitae Variant Classification Sherloc (09022015). Collection method: clinical testing. Allele origin: germline.

Blueprint Genetics
Classification: Likely benign. Last evaluated: 2024-06-07. Review status: criteria provided, single submitter. Criteria: ACMG Guidelines, 2015. Collection method: clinical testing. Allele origin: germline.

PreventionGenetics, part of Exact Sciences
Classification: Likely benign for LMX1B-related condition. Last evaluated: 2019-08-08. Review status: no assertion criteria provided. Collection method: clinical testing. Allele origin: germline. Not counted in ClinVar's aggregate classification.
Comment: This variant is classified as likely benign based on ACMG/AMP sequence variant interpretation guidelines (Richards et al. 2015 PMID: 25741868, with internal and published modifications).

NM_001174147.2(LMX1B):c.327-5C>T

Gene: LMX1B (LIM homeobox transcription factor 1 beta; plus strand). Cytogenetic location: 9q33.3.
Variant type: single nucleotide variant.
Coding change: c.327-5C>T on transcript NM_001174147.2 (MANE Select); 5 bases into the intron before coding-DNA position 327, C replaced by T.
Molecular consequence: intron variant.
Genome position (GRCh38, 1-based): chr9:126,690,831, C>T. VCF-style: chr9-126690831-C-T. GRCh37 (hg19) VCF-style: chr9-129453110-C-T.
Other names: c.327-5C>T (NM_002316.3, NM_001174146.2, NM_002316.4).
Identifiers: ClinVar variation 2902219 (VCV002902219.7), dbSNP rs186285462, ClinGen allele CA5242286.